The following is an entry in ClinVar:

NM_002249.6(KCNN3):c.1100G>C (p.Ser367Thr)

Gene: KCNN3 (potassium calcium-activated channel subfamily N member 3; minus strand). Cytogenetic location: 1q21.3.
Variant type: single nucleotide variant.
Coding change: c.1100G>C on transcript NM_002249.6 (MANE Select); coding-DNA position 1100, G replaced by C.
Protein change: p.Ser367Thr; replaces serine 367 with threonine.
Molecular consequence: missense variant.
Genome position (GRCh38, 1-based): chr1:154,772,323, C>G on the plus strand (G>C on the coding strand, the complement: KCNN3 is on the minus strand). VCF-style: chr1-154772323-C-G. GRCh37 (hg19) VCF-style: chr1-154744799-C-G.
Other names: c.1100G>C, p.Ser367Thr (NM_001204087.2); c.161G>C, p.Ser54Thr (NM_001365837.1, NM_001365838.1); c.185G>C, p.Ser62Thr (NM_170782.3); short protein forms S367T, S54T, S62T.
Identifiers: ClinVar variation 2504434 (VCV002504434.1), dbSNP rs2524731938, ClinGen allele CA343067235.
Genomic context (GRCh38, chr1:154,772,323, plus strand): 5'-GTCCAGAAGAACTTGTACTCGCCAGGAATGGGGTGGATGGCGCACACCAGCATCTCCAGG[C>G]TGATGTACAGGATGCGCTCGTAGGTCATGGCTATCCGCCAGTCATCCGCGCCATTGTCGA-3'
Protein context (NP_002240.3, residues 357-377): AMTYERILYI[Ser367Thr]LEMLVCAIHP

ClinVar aggregate classification (germline): Uncertain significance (1 of 4 stars; one submission).

Submission:

GeneDx
Classification: Uncertain significance. Last evaluated: 2022-12-05. Review status: criteria provided, single submitter. Criteria: GeneDx Variant Classification Process June 2021. Collection method: clinical testing. Allele origin: germline. Affected: yes.
Comment: Not observed at significant frequency in large population cohorts (gnomAD); In silico analysis supports that this missense variant does not alter protein structure/function; Has not been previously published as pathogenic or benign to our knowledge